The following is an entry in ClinVar:

ClinVar aggregate classification (germline): Benign. Review status: criteria provided, multiple submitters, no conflicts (2 of 4 stars). 2 submissions from 2 submitters: Benign (2). Last evaluated 2018-01-13.

Conditions:
Spinocerebellar ataxia, autosomal recessive, with axonal neuropathy 1 (SCAN1). Identifiers: Orphanet 94124, MedGen C4759870, MONDO:0011801, OMIM 607250.

Allele frequency attached by ClinVar (database versions not stated): gnomAD 0.05889 and 0.05957; TOPMed 0.06233; 1000 Genomes Project 0.06989; 1000 Genomes Project 30x 0.07292.

Submissions (2):

Illumina Laboratory Services, Illumina
Classification: Benign for Spinocerebellar ataxia, autosomal recessive, with axonal neuropathy 1. Last evaluated: 2018-01-13. Review status: criteria provided, single submitter. Criteria: ICSL Variant Classification Criteria 13 December 2019. Collection method: clinical testing. Allele origin: germline.
Comment: This variant was observed in the ICSL laboratory as part of a predisposition screen in an ostensibly healthy population. It had not been previously curated by ICSL or reported in the Human Gene Mutation Database (HGMD: prior to June 1st, 2018), and was therefore a candidate for classification through an automated scoring system. Utilizing variant allele frequency, disease prevalence and penetrance estimates, and inheritance mode, an automated score was calculated to assess if this variant is too frequent to cause the disease. Based on the score and internal cut-off values, a variant classified as benign is not then subjected to further curation. The score for this variant resulted in a classification of benign for this disease.

Breakthrough Genomics
Classification: Benign. Review status: criteria provided, single submitter. Criteria: ACMG Guidelines, 2015. Collection method: not provided. Allele origin: germline. Inheritance: Autosomal recessive inheritance. Affected: yes.

NM_018319.4(TDP1):c.*1452C>T

Gene: TDP1 (tyrosyl-DNA phosphodiesterase 1; plus strand). Cytogenetic location: 14q32.11.
Variant type: single nucleotide variant.
Coding change: c.*1452C>T on transcript NM_018319.4 (MANE Select); 1452 bases downstream of the stop codon, C replaced by T.
Molecular consequence: 3 prime UTR variant.
Genome position (GRCh38, 1-based): chr14:90,044,595, C>T. VCF-style: chr14-90044595-C-T. GRCh37 (hg19) VCF-style: chr14-90510939-C-T.
Other names: c.*1452C>T (NM_001008744.2); c.*1433C>T (NM_001330205.2).
Identifiers: ClinVar variation 314857 (VCV000314857.6), dbSNP rs34923595, ClinGen allele CA10635519.